The following is an entry in ClinVar:

ClinVar aggregate classification (germline): Likely benign (1 of 4 stars; one submission).

Submission:

CeGaT Center for Human Genetics Tuebingen
Classification: Likely benign. Last evaluated: 2023-02-01. Review status: criteria provided, single submitter. Criteria: CeGaT Center For Human Genetics Tuebingen Variant Classification Criteria Version 2. Collection method: clinical testing. Allele origin: germline. Affected: yes. Observed: 1 variant allele.
Comment: SPTAN1: PM2:Supporting, BP4, BP7

NM_001130438.3(SPTAN1):c.2673G>A (p.Gln891=)

Gene: SPTAN1 (spectrin alpha, non-erythrocytic 1; plus strand). Cytogenetic location: 9q34.11.
Variant type: single nucleotide variant.
Coding change: c.2673G>A on transcript NM_001130438.3 (MANE Select); coding-DNA position 2673, G replaced by A.
Protein change: p.Gln891=; no amino-acid change (glutamine 891 retained).
Molecular consequence: synonymous variant.
Genome position (GRCh38, 1-based): chr9:128,585,860, G>A. VCF-style: chr9-128585860-G-A. GRCh37 (hg19) VCF-style: chr9-131348139-G-A.
Other names: c.2673G>A, p.Gln891= (NM_001195532.2, NM_001363759.2, NM_001363765.2 and 5 more transcripts); c.2709G>A, p.Gln903= (NM_001375312.2, NM_001375318.1).
Identifiers: ClinVar variation 2659542 (VCV002659542.24), dbSNP rs2541240507, ClinGen allele CA467484686.